The following is an entry in ClinVar:

NM_025179.4(PLXNA2):c.4075A>G (p.Ile1359Val)

Gene: PLXNA2 (plexin A2; minus strand). Cytogenetic location: 1q32.2.
Variant type: single nucleotide variant.
Coding change: c.4075A>G on transcript NM_025179.4 (MANE Select); coding-DNA position 4075, A replaced by G.
Protein change: p.Ile1359Val; replaces isoleucine 1359 with valine.
Molecular consequence: missense variant.
Genome position (GRCh38, 1-based): chr1:208,042,309, T>C on the plus strand (A>G on the coding strand, the complement: PLXNA2 is on the minus strand). VCF-style: chr1-208042309-T-C. GRCh37 (hg19) VCF-style: chr1-208215654-T-C.
Other names: short protein forms I1359V.
Identifiers: ClinVar variation 3350495 (VCV003350495.1).
Genomic context (GRCh38, chr1:208,042,309, plus strand): 5'-AGAAACTGCGCTGCAGCTCCAGGGTGCGGATGAAGGTCAGCAGGAACACCTTGTTGTTGA[T>C]GAGCTGGGCAAAGAGCTTCAGGGCCTTCTCCACGTGCTGCTGCCCGTTTCCTTGTACCTG-3'
Protein context (NP_079455.3, residues 1349-1369): EKALKLFAQL[Ile1359Val]NNKVFLLTFI

ClinVar aggregate classification (germline): Uncertain significance (0 of 4 stars; one submission).

Conditions:
PLXNA2-related disorder. Also called: PLXNA2-related condition.

gnomAD v4.1: 35 of 1,613,656 alleles (0.0022%); highest among the groups gnomAD compares: South Asian, 0.0088%; no homozygotes.

Submission:

PreventionGenetics, part of Exact Sciences
Classification: Uncertain significance for PLXNA2-related condition. Last evaluated: 2024-04-30. Review status: no assertion criteria provided. Collection method: clinical testing. Allele origin: germline.
Comment: The PLXNA2 c.4075A>G variant is predicted to result in the amino acid substitution p.Ile1359Val. To our knowledge, this variant has not been reported in the literature. This variant is reported in 0.013% of alleles in individuals of South Asian descent in gnomAD. At this time, the clinical significance of this variant is uncertain due to the absence of conclusive functional and genetic evidence.